The following is an entry in ClinVar:

ClinVar aggregate classification (germline): Uncertain significance (1 of 4 stars; one submission).

Allele frequency attached by ClinVar (database versions not stated): TOPMed below 0.00001; gnomAD exomes 0.00001 and 0.00002.
gnomAD v4.1: 25 of 1,608,518 alleles (0.0016%); highest among the groups gnomAD compares: Non-Finnish European, 0.002%; no homozygotes.

Submission:

Labcorp Genetics (formerly Invitae), Labcorp
Classification: Uncertain significance. Last evaluated: 2021-07-28. Review status: criteria provided, single submitter. Criteria: Invitae Variant Classification Sherloc (09022015). Collection method: clinical testing. Allele origin: germline.
Comment: This variant is not present in population databases (ExAC no frequency). This sequence change replaces serine with phenylalanine at codon 102 of the CLUAP1 protein (p.Ser102Phe). The serine residue is moderately conserved and there is a large physicochemical difference between serine and phenylalanine. This variant has not been reported in the literature in individuals with CLUAP1-related conditions. Algorithms developed to predict the effect of missense changes on protein structure and function are either unavailable or do not agree on the potential impact of this missense change (SIFT: "Deleterious"; PolyPhen-2: "Possibly Damaging"; Align-GVGD: "Class C0"). In summary, the available evidence is currently insufficient to determine the role of this variant in disease. Therefore, it has been classified as a Variant of Uncertain Significance.

NM_015041.3(CLUAP1):c.305C>T (p.Ser102Phe)

Gene: CLUAP1 (clusterin associated protein 1; plus strand). Cytogenetic location: 16p13.3.
Variant type: single nucleotide variant.
Coding change: c.305C>T on transcript NM_015041.3 (MANE Select); coding-DNA position 305, C replaced by T.
Protein change: p.Ser102Phe; replaces serine 102 with phenylalanine.
Molecular consequence: missense variant.
Genome position (GRCh38, 1-based): chr16:3,508,374, C>T. VCF-style: chr16-3508374-C-T. GRCh37 (hg19) VCF-style: chr16-3558374-C-T.
Other names: c.305C>T, p.Ser102Phe (NM_001330454.2); short protein forms S102F.
Identifiers: ClinVar variation 965966 (VCV000965966.9), dbSNP rs947609181, ClinGen allele CA276924669.